The following is an entry in ClinVar:

ClinVar aggregate classification (germline): Uncertain significance (1 of 4 stars; one submission).

Conditions:
LAMA2-related muscular dystrophy (LAMA2-RD). Also called: Laminin alpha 2-related dystrophy. Identifiers: MedGen C5679788, MONDO:0100228.

Submission:

Labcorp Genetics (formerly Invitae), Labcorp
Classification: Uncertain significance for LAMA2-related muscular dystrophy. Last evaluated: 2022-08-02. Review status: criteria provided, single submitter. Criteria: Invitae Variant Classification Sherloc (09022015). Collection method: clinical testing. Allele origin: germline.
Comment: In summary, the available evidence is currently insufficient to determine the role of this variant in disease. Therefore, it has been classified as a Variant of Uncertain Significance. Advanced modeling of protein sequence and biophysical properties (such as structural, functional, and spatial information, amino acid conservation, physicochemical variation, residue mobility, and thermodynamic stability) performed at Invitae indicates that this missense variant is not expected to disrupt LAMA2 protein function. This variant has not been reported in the literature in individuals affected with LAMA2-related conditions. This variant is not present in population databases (gnomAD no frequency). This sequence change replaces isoleucine, which is neutral and non-polar, with threonine, which is neutral and polar, at codon 1257 of the LAMA2 protein (p.Ile1257Thr).

NM_000426.4(LAMA2):c.3770T>C (p.Ile1257Thr)

Gene: LAMA2 (laminin subunit alpha 2; plus strand). Cytogenetic location: 6q22.33.
Variant type: single nucleotide variant.
Coding change: c.3770T>C on transcript NM_000426.4 (MANE Select); coding-DNA position 3770, T replaced by C.
Protein change: p.Ile1257Thr; replaces isoleucine 1257 with threonine.
Molecular consequence: missense variant.
Genome position (GRCh38, 1-based): chr6:129,315,796, T>C. VCF-style: chr6-129315796-T-C. GRCh37 (hg19) VCF-style: chr6-129636941-T-C.
Other names: c.3770T>C, p.Ile1257Thr (NM_001079823.2); short protein forms I1257T.
Identifiers: ClinVar variation 1714798 (VCV001714798.6), dbSNP rs2482416684, ClinGen allele CA365613239.